The following is an entry in ClinVar:

NM_020433.5(JPH2):c.38C>T (p.Ala13Val)

Gene: JPH2 (junctophilin 2; minus strand). Cytogenetic location: 20q13.12.
Variant type: single nucleotide variant.
Coding change: c.38C>T on transcript NM_020433.5 (MANE Select); coding-DNA position 38, C replaced by T.
Protein change: p.Ala13Val; replaces alanine 13 with valine.
Molecular consequence: missense variant.
Genome position (GRCh38, 1-based): chr20:44,186,668, G>A on the plus strand (C>T on the coding strand, the complement: JPH2 is on the minus strand). VCF-style: chr20-44186668-G-A. GRCh37 (hg19) VCF-style: chr20-42815308-G-A.
Other names: c.38C>T, p.Ala13Val (NM_175913.4); short protein forms A13V.
Identifiers: ClinVar variation 3669818 (VCV003669818.2).

ClinVar aggregate classification (germline): Uncertain significance (1 of 4 stars; one submission).

Conditions:
Hypertrophic cardiomyopathy. Also called: HYPERTROPHIC MYOCARDIOPATHY. Identifiers: Orphanet 217569, MedGen C0007194, MeSH D002312, MONDO:0005045, HP:0001639.

gnomAD v4.1: 10 of 1,578,460 alleles (0.00063%); highest among the groups gnomAD compares: Non-Finnish European, 0.00086%; no homozygotes.

Submission:

Labcorp Genetics (formerly Invitae), Labcorp
Classification: Uncertain significance for Hypertrophic cardiomyopathy. Last evaluated: 2025-02-17. Review status: criteria provided, single submitter. Criteria: Invitae Variant Classification Sherloc (09022015). Collection method: clinical testing. Allele origin: germline.
Comment: This sequence change replaces alanine, which is neutral and non-polar, with valine, which is neutral and non-polar, at codon 13 of the JPH2 protein (p.Ala13Val). This variant is not present in population databases (gnomAD no frequency). This variant has not been reported in the literature in individuals affected with JPH2-related conditions. An algorithm developed to predict the effect of missense changes on protein structure and function (PolyPhen-2) suggests that this variant is likely to be disruptive. In summary, the available evidence is currently insufficient to determine the role of this variant in disease. Therefore, it has been classified as a Variant of Uncertain Significance.